The following is an entry in ClinVar:

ClinVar aggregate classification (germline): Pathogenic (1 of 4 stars; one submission).

Submission:

Labcorp Genetics (formerly Invitae), Labcorp
Classification: Pathogenic. Last evaluated: 2023-07-14. Review status: criteria provided, single submitter. Criteria: Invitae Variant Classification Sherloc (09022015). Collection method: clinical testing. Allele origin: germline.
Comment: This sequence change creates a premature translational stop signal (p.Met878Trpfs*4) in the LAMA3 gene. It is expected to result in an absent or disrupted protein product. Loss-of-function variants in LAMA3 are known to be pathogenic (PMID: 10366601, 11810295, 12915477, 16473856, 17362460, 22434185, 23869449, 27827380, 28087116). This variant is not present in population databases (gnomAD no frequency). This variant has not been reported in the literature in individuals affected with LAMA3-related conditions. For these reasons, this variant has been classified as Pathogenic.

Literature cited by the submitters: PubMed 10366601; PubMed 11810295; PubMed 12915477; PubMed 16473856; PubMed 17362460; PubMed 22434185; PubMed 23869449; PubMed 27827380; PubMed 28087116.

NM_198129.4(LAMA3):c.7458del (p.Met2487fs)

Gene: LAMA3 (laminin subunit alpha 3; plus strand). Cytogenetic location: 18q11.2.
Variant type: Deletion.
Coding change: c.7458del on transcript NM_198129.4 (MANE Select); coding-DNA position 7458, one base deleted (T; older notation c.7458delT).
Protein change: p.Met2487fs; shifts the reading frame from methionine 2487.
Molecular consequence: frameshift variant.
Genome position (GRCh38, 1-based): chr18:23,914,538, T deleted; the last of 2 consecutive T bases (chr18:23,914,537-23,914,538); deleting either gives the same sequence. VCF-style (leftmost placement, unchanged base first): chr18-23914536-GT-G. GRCh37 (hg19) VCF-style: chr18-21494500-GT-G.
Other names: c.2631del, p.Met878fs (NM_000227.6); c.7290del, p.Met2431fs (NM_001127717.4); c.2463del, p.Met822fs (NM_001127718.4); short protein forms M2487fs, M822fs, M2431fs, M878fs.
Identifiers: ClinVar variation 3022296 (VCV003022296.3), dbSNP rs780180871, ClinGen allele CA2740093988.